The following is an entry in ClinVar:

ClinVar aggregate classification (germline): Uncertain significance (1 of 4 stars; one submission).

Conditions:
A2ML1-related disorder. Also called: A2ML1-related condition.

Submission:

PreventionGenetics, part of Exact Sciences
Classification: Uncertain significance for A2ML1-related condition. Last evaluated: 2026-03-19. Review status: criteria provided, single submitter. Criteria: ACMG Guidelines, 2015. Collection method: clinical testing. Allele origin: germline.
Comment: The A2ML1 c.827C>T variant is predicted to result in the amino acid substitution p.Pro276Leu. To our knowledge, this variant has not been reported in the literature or in a large population database (gnomAD), indicating this variant is rare. At this time, the clinical significance of this variant is uncertain due to the absence of conclusive functional and genetic evidence.

NM_144670.6(A2ML1):c.827C>T (p.Pro276Leu)

Gene: A2ML1 (alpha-2-macroglobulin like 1; plus strand). Cytogenetic location: 12p13.31.
Variant type: single nucleotide variant.
Coding change: c.827C>T on transcript NM_144670.6 (MANE Select); coding-DNA position 827, C replaced by T.
Protein change: p.Pro276Leu; replaces proline 276 with leucine.
Molecular consequence: missense variant.
Genome position (GRCh38, 1-based): chr12:8,837,538, C>T. VCF-style: chr12-8837538-C-T. GRCh37 (hg19) VCF-style: chr12-8990134-C-T.
Other names: short protein forms P276L.
Identifiers: ClinVar variation 4998392 (VCV004998392.1).